The following is an entry in ClinVar:

NM_000492.4(CFTR):c.204A>T (p.Lys68Asn)

Gene: CFTR (CF transmembrane conductance regulator; plus strand). Cytogenetic location: 7q31.2.
Variant type: single nucleotide variant.
Coding change: c.204A>T on transcript NM_000492.4 (MANE Select); coding-DNA position 204, A replaced by T.
Protein change: p.Lys68Asn; replaces lysine 68 with asparagine.
Molecular consequence: missense variant.
Genome position (GRCh38, 1-based): chr7:117,509,073, A>T. VCF-style: chr7-117509073-A-T. GRCh37 (hg19) VCF-style: chr7-117149127-A-T.
Other names: short protein forms K68N.
Identifiers: ClinVar variation 53431 (VCV000053431.22), dbSNP rs397508335, ClinGen allele CA326737.

ClinVar aggregate classification (germline): Uncertain significance. Review status: criteria provided, multiple submitters, no conflicts (2 of 4 stars). 7 submissions from 7 submitters: Uncertain significance (6). 1 of the submissions does not count toward it. Last evaluated 2026-04-28.

Conditions:
Cystic fibrosis (CF). Also called: MUCOVISCIDOSIS. Identifiers: Orphanet 586, MedGen C0010674, MONDO:0009061, OMIM 219700. Disease mechanism: loss of function.

Allele frequency attached by ClinVar (database versions not stated): gnomAD exomes below 0.00001 and 0.00001; gnomAD 0.00001; ExAC 0.00002.
gnomAD v4.1: 6 of 1,612,944 alleles (0.00037%); highest among the groups gnomAD compares: Middle Eastern, 0.033%; no homozygotes.

Submissions (7):

Women's Health and Genetics/Laboratory Corporation of America, LabCorp
Classification: Uncertain significance. Last evaluated: 2026-04-28. Review status: criteria provided, single submitter. Criteria: LabCorp Variant Classification Summary - May 2015. Collection method: clinical testing. Allele origin: germline.
Comment: Variant summary: CFTR c.204A>T (p.Lys68Asn) results in a non-conservative amino acid change in the encoded protein sequence. Algorithms developed to predict the effect of missense changes on protein structure and function are either unavailable or do not agree on the potential impact of this missense change. The variant allele was found at a frequency of 8e-06 in 251032 control chromosomes. The available data on variant occurrences in the general population are insufficient to allow any conclusion about variant significance. c.204A>T has been reported in the literature as a non-informative genotype (second allele of uncertain significance or not reported) in individuals affected with Pancreatitis, Cystic Fibrosis or in settings for newborn screening (example, Sofia_2016, Gaia_2002, Handschick_2012, Bozdogan_2020, El-Seedy_2016). These report(s) do not provide unequivocal conclusions about association of the variant with Cystic Fibrosis. To our knowledge, no experimental evidence demonstrating an impact on protein function has been reported. The following publications have been ascertained in the context of this evaluation (PMID: 33572515, 12452372, 21917531, 24777605, 25735457, 27264265, 28040058). ClinVar contains an entry for this variant (Variation ID: 53431). Based on the evidence outlined above, the variant was classified as uncertain significance.

Ambry Genetics
Classification: Uncertain significance for Cystic fibrosis. Last evaluated: 2025-07-29. Review status: criteria provided, single submitter. Criteria: Ambry Variant Classification Scheme 2023. Collection method: clinical testing. Allele origin: germline.
Comment: The p.K68N variant (also known as c.204A>T), located in coding exon 3 of the CFTR gene, results from an A to T substitution at nucleotide position 204. The lysine at codon 68 is replaced by asparagine, an amino acid with similar properties. This alteration has been identified in multiple individuals with pancreatitis (Gaia E et al. Dig Dis Sci, 2002 Nov;47:2416-21; Sofia VM et al. Mol Med, 2016 Sep;22:300-309). This amino acid position is well conserved in available vertebrate species. In addition, the in silico prediction for this alteration is inconclusive. Based on the available evidence, the clinical significance of this variant remains unclear.

CeGaT Center for Human Genetics Tuebingen
Classification: Uncertain significance. Last evaluated: 2025-04-01. Review status: criteria provided, single submitter. Criteria: CeGaT Center For Human Genetics Tuebingen Variant Classification Criteria Version 2. Collection method: clinical testing. Allele origin: germline. Affected: yes. Observed: 1 variant allele.
Comment: CFTR: PM2

Genome-Nilou Lab
Classification: Uncertain significance for Cystic fibrosis. Last evaluated: 2021-09-05. Review status: criteria provided, single submitter. Criteria: ACMG Guidelines, 2015. Collection method: clinical testing. Allele origin: germline. Affected: no.

Labcorp Genetics (formerly Invitae), Labcorp
Classification: Uncertain significance for Cystic fibrosis. Last evaluated: 2021-08-31. Review status: criteria provided, single submitter. Criteria: Invitae Variant Classification Sherloc (09022015). Collection method: clinical testing. Allele origin: germline.
Comment: This sequence change replaces lysine with asparagine at codon 68 of the CFTR protein (p.Lys68Asn). The lysine residue is weakly conserved and there is a moderate physicochemical difference between lysine and asparagine. This variant is present in population databases (rs397508335, ExAC 0.003%). This missense change has been observed in individual(s) with chronic pancreatitis and cystic fibrosis (PMID: 12452372, 28040058). ClinVar contains an entry for this variant (Variation ID: 53431). Algorithms developed to predict the effect of missense changes on protein structure and function (SIFT, PolyPhen-2, Align-GVGD) all suggest that this variant is likely to be tolerated. In summary, the available evidence is currently insufficient to determine the role of this variant in disease. Therefore, it has been classified as a Variant of Uncertain Significance.

Quest Diagnostics Nichols Institute San Juan Capistrano
Classification: Uncertain significance. Last evaluated: 2020-04-02. Review status: criteria provided, single submitter. Criteria: Quest Diagnostics criteria. Collection method: clinical testing. Allele origin: unknown.

Counsyl
Classification: Uncertain significance for Cystic fibrosis. Last evaluated: 2018-01-02. Review status: no assertion criteria provided. Collection method: clinical testing. Allele origin: unknown. Not counted in ClinVar's aggregate classification.

Literature cited by the submitters: PubMed 12452372 (cited by 5 submitters); PubMed 25735457 (cited by Women's Health and Genetics/Laboratory Corporation of America, LabCorp); PubMed 27264265 (cited by 3 submitters); PubMed 28040058 (cited by 3 submitters); PubMed 21917531 (cited by Women's Health and Genetics/Laboratory Corporation of America, LabCorp); PubMed 33572515 (cited by Women's Health and Genetics/Laboratory Corporation of America, LabCorp); PubMed 24777605 (cited by Women's Health and Genetics/Laboratory Corporation of America, LabCorp); PubMed 9259197 (cited by Quest Diagnostics Nichols Institute San Juan Capistrano and Counsyl); PubMed 12007216 (cited by Quest Diagnostics Nichols Institute San Juan Capistrano).